The following is an entry in ClinVar:

ClinVar aggregate classification (germline): Uncertain significance (1 of 4 stars; one submission).

Submission:

CeGaT Center for Human Genetics Tuebingen
Classification: Uncertain significance. Last evaluated: 2026-07-01. Review status: criteria provided, single submitter. Criteria: CeGaT Center For Human Genetics Tuebingen Variant Classification Criteria Version 2. Collection method: clinical testing. Allele origin: germline. Affected: yes. Observed: 1 variant allele.
Comment: PCLO: PM2

NM_033026.6(PCLO):c.13466A>T (p.His4489Leu)

Gene: PCLO (piccolo presynaptic cytomatrix protein; minus strand). Cytogenetic location: 7q21.11.
Variant type: single nucleotide variant.
Coding change: c.13466A>T on transcript NM_033026.6 (MANE Select); coding-DNA position 13466, A replaced by T.
Protein change: p.His4489Leu; replaces histidine 4489 with leucine.
Molecular consequence: missense variant.
Genome position (GRCh38, 1-based): chr7:82,902,713, T>A on the plus strand (A>T on the coding strand, the complement: PCLO is on the minus strand). VCF-style: chr7-82902713-T-A. GRCh37 (hg19) VCF-style: chr7-82532029-T-A.
Other names: c.13466A>T, p.His4489Leu (NM_014510.3); short protein forms H4489L.
Identifiers: ClinVar variation 5040258 (VCV005040258.1).